The following is an entry in ClinVar:

ClinVar aggregate classification (germline): Uncertain significance (1 of 4 stars; one submission).

Conditions:
Hereditary cancer-predisposing syndrome. Also called: Hereditary Cancer Syndrome; Hereditary neoplastic syndrome; Neoplastic Syndromes, Hereditary; Tumor predisposition. Identifiers: Orphanet 140162, MedGen C0027672, MeSH D009386, MONDO:0015356.

Submission:

Ambry Genetics
Classification: Uncertain significance for Hereditary cancer-predisposing syndrome. Last evaluated: 2025-01-10. Review status: criteria provided, single submitter. Criteria: Ambry Variant Classification Scheme 2023. Collection method: clinical testing. Allele origin: germline.
Comment: The p.A156E variant (also known as c.467C>A), located in coding exon 1 of the CDKN1B gene, results from a C to A substitution at nucleotide position 467. The alanine at codon 156 is replaced by glutamic acid, an amino acid with dissimilar properties. This amino acid position is conserved. In addition, this alteration is predicted to be tolerated by in silico analysis. Since supporting evidence is limited at this time, the clinical significance of this alteration remains unclear.

NM_004064.5(CDKN1B):c.467C>A (p.Ala156Glu)

Gene: CDKN1B (cyclin dependent kinase inhibitor 1B; plus strand). Cytogenetic location: 12p13.1.
Variant type: single nucleotide variant.
Coding change: c.467C>A on transcript NM_004064.5 (MANE Select); coding-DNA position 467, C replaced by A.
Protein change: p.Ala156Glu; replaces alanine 156 with glutamic acid.
Molecular consequence: missense variant.
Genome position (GRCh38, 1-based): chr12:12,718,306, C>A. VCF-style: chr12-12718306-C-A. GRCh37 (hg19) VCF-style: chr12-12871240-C-A.
Other names: short protein forms A156E.
Identifiers: ClinVar variation 1742379 (VCV001742379.3), dbSNP rs752642842, ClinGen allele CA383970971.